The following is an entry in ClinVar:

ClinVar aggregate classification (germline): Likely pathogenic (1 of 4 stars; one submission).

Conditions:
Familial dysautonomia. Also called: FD; HSAN III. Identifiers: Orphanet 1764, MedGen C0013364, MONDO:0009131, OMIM 223900. Disease mechanism: loss of function.

Submission:

Myriad Genetics, Inc.
Classification: Likely pathogenic for Familial dysautonomia. Last evaluated: 2026-07-01. Review status: criteria provided, single submitter. Criteria: Myriad Autosomal Dominant, Autosomal Recessive and X-Linked Classification Criteria (2023). Collection method: clinical testing. Allele origin: unknown.
Comment: NM_003640.3(ELP1):c.2860+2T>G is a variant in a canonical splice site classified as likely pathogenic in the context of familial dysautonomia. c.2860+2T>G has not been observed in cases with relevant disease. Relevant functional assessments of this variant are not available in the literature. c.2860+2T>G has not been observed in referenced population frequency databases. In summary, NM_003640.3(ELP1):c.2860+2T>G is a variant in a canonical splice site in a gene where loss of function is a known mechanism of disease and is predicted to disrupt protein function. Please note: this variant was assessed in the context of healthy population screening.

NM_003640.5(ELP1):c.2860+2T>G

Gene: ELP1 (elongator acetyltransferase complex subunit 1; minus strand). Cytogenetic location: 9q31.3.
Variant type: single nucleotide variant.
Coding change: c.2860+2T>G on transcript NM_003640.5 (MANE Select); the canonical splice donor site of the intron after coding-DNA position 2860, T replaced by G.
Molecular consequence: splice donor variant.
Genome position (GRCh38, 1-based): chr9:108,893,941, A>C on the plus strand (T>G on the coding strand, the complement: ELP1 is on the minus strand). VCF-style: chr9-108893941-A-C. GRCh37 (hg19) VCF-style: chr9-111656221-A-C.
Other names: c.2518+2T>G (NM_001318360.2); c.1813+2T>G (NM_001330749.2).
Identifiers: ClinVar variation 5004766 (VCV005004766.1).